The following is an entry in ClinVar:

NM_001077653.2(TBX20):c.1175G>A (p.Arg392Gln)

Gene: TBX20 (T-box transcription factor 20; minus strand). Cytogenetic location: 7p14.2.
Variant type: single nucleotide variant.
Coding change: c.1175G>A on transcript NM_001077653.2 (MANE Select); coding-DNA position 1175, G replaced by A.
Protein change: p.Arg392Gln; replaces arginine 392 with glutamine.
Molecular consequence: missense variant.
Genome position (GRCh38, 1-based): chr7:35,202,599, C>T on the plus strand (G>A on the coding strand, the complement: TBX20 is on the minus strand). VCF-style: chr7-35202599-C-T. GRCh37 (hg19) VCF-style: chr7-35242211-C-T.
Other names: short protein forms R392Q.
Identifiers: ClinVar variation 1381321 (VCV001381321.8), dbSNP rs768119874, ClinGen allele CA156917279.
Genomic context (GRCh38, chr7:35,202,599, plus strand): 5'-GTGGGGCCACTCCCTTGCATGGAGCTGGCAATGGCCGATGGTGTCAGAGGCATTCCCAGT[C>T]GGCTATATGGTGGCAGAGAACCCTGGATGGGGTGAGGAATGGGTGTTGCTATGGATGCTG-3'
Protein context (NP_001071121.1, residues 382-402): PIQGSLPPYS[Arg392Gln]LGMPLTPSAI

ClinVar aggregate classification (germline): Uncertain significance (1 of 4 stars; one submission).

Allele frequency attached by ClinVar (database versions not stated): gnomAD 0.00002; TOPMed 0.00003.
gnomAD v4.1: 7 of 1,613,798 alleles (0.00043%); highest among the groups gnomAD compares: African/African-American, 0.0053%; no homozygotes.

Submission:

Labcorp Genetics (formerly Invitae), Labcorp
Classification: Uncertain significance. Last evaluated: 2023-01-01. Review status: criteria provided, single submitter. Criteria: Invitae Variant Classification Sherloc (09022015). Collection method: clinical testing. Allele origin: germline.
Comment: This sequence change replaces arginine, which is basic and polar, with glutamine, which is neutral and polar, at codon 392 of the TBX20 protein (p.Arg392Gln). In summary, the available evidence is currently insufficient to determine the role of this variant in disease. Therefore, it has been classified as a Variant of Uncertain Significance. Advanced modeling of protein sequence and biophysical properties (such as structural, functional, and spatial information, amino acid conservation, physicochemical variation, residue mobility, and thermodynamic stability) performed at Invitae indicates that this missense variant is not expected to disrupt TBX20 protein function. ClinVar contains an entry for this variant (Variation ID: 1381321). This variant has not been reported in the literature in individuals affected with TBX20-related conditions. This variant is not present in population databases (gnomAD no frequency).